The following is an entry in ClinVar:

NM_001457.4(FLNB):c.7550C>T (p.Ser2517Phe)

Genes: FLNB (filamin B; plus strand), FLNB-AS1 (FLNB antisense RNA 1; minus strand). Cytogenetic location: 3p14.3.
Variant type: single nucleotide variant.
Coding change: c.7550C>T on transcript NM_001457.4 (MANE Select); coding-DNA position 7550, C replaced by T.
Protein change: p.Ser2517Phe; replaces serine 2517 with phenylalanine.
Molecular consequence: missense variant.
Genome position (GRCh38, 1-based): chr3:58,169,722, C>T. VCF-style: chr3-58169722-C-T. GRCh37 (hg19) VCF-style: chr3-58155449-C-T.
Other names: c.7643C>T, p.Ser2548Phe (NM_001164317.2); c.7517C>T, p.Ser2506Phe (NM_001164318.2); c.7478C>T, p.Ser2493Phe (NM_001164319.2); short protein forms S2506F, S2517F, S2493F, S2548F.
Identifiers: ClinVar variation 1935739 (VCV001935739.5), dbSNP rs372197754, ClinGen allele CA2469722.
Genomic context (GRCh38, chr3:58,169,722, plus strand): 5'-CTACAGAGACCTGCTATAGCGCCATTCCCAAGGCATCCTCGGACGCCAGCAAGGTGACCT[C>T]TAAGGGGGCAGGGCTCTCAAAGGCCTTTGTGGGCCAGAAGAGTTCCTTCCTGGTGGACTG-3'
Protein context (NP_001448.2, residues 2507-2527): KASSDASKVT[Ser2517Phe]KGAGLSKAFV

ClinVar aggregate classification (germline): Uncertain significance (1 of 4 stars; one submission).

Allele frequency attached by ClinVar (database versions not stated): ExAC 0.00001; gnomAD 0.00001; TOPMed 0.00001; ESP Exome Variant Server 0.00008.
gnomAD v4.1: 6 of 1,613,918 alleles (0.00037%); highest among the groups gnomAD compares: Middle Eastern, 0.016%; no homozygotes.

Submission:

Labcorp Genetics (formerly Invitae), Labcorp
Classification: Uncertain significance. Last evaluated: 2024-04-10. Review status: criteria provided, single submitter. Criteria: Invitae Variant Classification Sherloc (09022015). Collection method: clinical testing. Allele origin: germline.
Comment: This sequence change replaces serine, which is neutral and polar, with phenylalanine, which is neutral and non-polar, at codon 2517 of the FLNB protein (p.Ser2517Phe). This variant is present in population databases (rs372197754, gnomAD 0.006%). This variant has not been reported in the literature in individuals affected with FLNB-related conditions. ClinVar contains an entry for this variant (Variation ID: 1935739). Advanced modeling of protein sequence and biophysical properties (such as structural, functional, and spatial information, amino acid conservation, physicochemical variation, residue mobility, and thermodynamic stability) performed at Invitae indicates that this missense variant is not expected to disrupt FLNB protein function with a negative predictive value of 95%. In summary, the available evidence is currently insufficient to determine the role of this variant in disease. Therefore, it has been classified as a Variant of Uncertain Significance.